The following is an entry in ClinVar:

NM_001142864.4(PIEZO1):c.4385_4390del (p.Arg1462_Gln1463del)

Gene: PIEZO1 (piezo type mechanosensitive ion channel component 1 (Er blood group); minus strand). Cytogenetic location: 16q24.3.
Variant type: Deletion.
Coding change: c.4385_4390del on transcript NM_001142864.4 (MANE Select); coding-DNA positions 4385 to 4390, 6 bases deleted (GGCAGC; older notation c.4385_4390delGGCAGC).
Protein change: p.Arg1462_Gln1463del.
Molecular consequence: inframe deletion. On other transcripts: inframe indel (1).
Genome position (GRCh38, 1-based): chr16:88,723,274-88,723,279, GCTGCC deleted on the plus strand (GGCAGC on the coding strand, the reverse complement: PIEZO1 is on the minus strand); deleting any 6 consecutive bases within chr16:88,723,274-88,723,281 gives the same sequence; the c. name uses the placement nearest the transcript's 3' end. VCF-style (leftmost placement, unchanged base first): chr16-88723273-TGCTGCC-T. GRCh37 (hg19) VCF-style: chr16-88789681-TGCTGCC-T.
Other names: c.2925_2930delGCGGCA, p.Arg976_Gln977del (NM_014745.1).
Identifiers: ClinVar variation 3237426 (VCV003237426.1), dbSNP rs1211431630.

ClinVar aggregate classification (germline): Uncertain significance (1 of 4 stars; one submission).

Conditions:
Lymphatic malformation 6 (LMPHM6). Also called: GENERALIZED LYMPHATIC DYSPLASIA OF FOTIOU; Lymphedema, hereditary, III; PIEZO1-related generalized lymphatic dysplasia with non-immune hydrops fetalis. Identifiers: Orphanet 568062, MedGen C4225184, MONDO:0014797, OMIM 616843.

Submission:

Clinical Genomics Laboratory, Washington University in St. Louis
Classification: Uncertain significance for Lymphatic malformation 6. Last evaluated: 2024-03-08. Review status: criteria provided, single submitter. Criteria: ACMG Guidelines, 2015. Collection method: clinical testing. Allele origin: germline.
Comment: The PIEZO1 c.4385_4390del (p.Arg1462_Gln1463del) variant is identified at a near heterozygous allele fraction of 47%, a frequency which may be consistent with it being of germline origin. This variant, to our knowledge, has not been reported in the medical literature. This variant is only observed on 7/1,543,066 alleles in the general population (gnomAD v4.0.0), indicating it is not a common variant. Due to limited information, and based on ACMG/AMP guidelines for variant interpretation (Richards S et al., PMID: 25741868), the clinical significance of the PIEZO1 c.4385_4390del (p.Arg1462_Gln1463del) variant is uncertain at this time.